The following is an entry in ClinVar:

ClinVar aggregate classification (germline): Benign/Likely benign. Review status: criteria provided, multiple submitters, no conflicts (2 of 4 stars). 3 submissions from 3 submitters: Benign (1); Likely benign (2). Last evaluated 2025-11-02.

Conditions:
Hereditary cancer-predisposing syndrome. Also called: Tumor predisposition; Hereditary Cancer Syndrome; Neoplastic Syndromes, Hereditary; Hereditary neoplastic syndrome. Identifiers: Orphanet 140162, MedGen C0027672, MeSH D009386, MONDO:0015356.
Tuberous sclerosis 2 (TSC2). Identifiers: Orphanet 805, MedGen C1860707, MONDO:0013199, OMIM 613254.

Allele frequency attached by ClinVar (database versions not stated): gnomAD exomes below 0.00001; TOPMed below 0.00001.
gnomAD v4.1: 1 of 1,612,620 alleles (0.000062%); highest among the groups gnomAD compares: Non-Finnish European, 0.000085%; no homozygotes.

Submissions (3):

Labcorp Genetics (formerly Invitae), Labcorp
Classification: Likely benign for Tuberous sclerosis 2. Last evaluated: 2025-11-02. Review status: criteria provided, single submitter. Criteria: Invitae Variant Classification Sherloc (09022015). Collection method: clinical testing. Allele origin: germline.

Myriad Genetics, Inc.
Classification: Benign for Tuberous sclerosis 2. Last evaluated: 2025-05-09. Review status: criteria provided, single submitter. Criteria: Myriad Autosomal Dominant, Autosomal Recessive and X-Linked Classification Criteria (2023). Collection method: clinical testing. Allele origin: unknown.
Comment: This variant is considered benign. This variant is a silent/synonymous amino acid change and it is not expected to impact splicing.

Ambry Genetics
Classification: Likely benign for Hereditary cancer-predisposing syndrome. Last evaluated: 2023-08-29. Review status: criteria provided, single submitter. Criteria: Ambry Variant Classification Scheme 2023. Collection method: clinical testing. Allele origin: germline.

NM_000548.5(TSC2):c.699T>C (p.Ala233=)

Gene: TSC2 (TSC complex subunit 2; plus strand). Cytogenetic location: 16p13.3.
Variant type: single nucleotide variant.
Coding change: c.699T>C on transcript NM_000548.5 (MANE Select); coding-DNA position 699, T replaced by C.
Protein change: p.Ala233=; no amino-acid change (alanine 233 retained).
Molecular consequence: synonymous variant.
Genome position (GRCh38, 1-based): chr16:2,056,694, T>C. VCF-style: chr16-2056694-T-C. GRCh37 (hg19) VCF-style: chr16-2106695-T-C.
Other names: c.699T>C, p.Ala233= (NM_001077183.3, NM_001114382.3, NM_001363528.2 and 3 more transcripts); c.588T>C, p.Ala196= (NM_001318827.2); c.552T>C, p.Ala184= (NM_001318829.2); c.99T>C, p.Ala33= (NM_001318831.2); c.732T>C, p.Ala244= (NM_001318832.2).
Identifiers: ClinVar variation 756868 (VCV000756868.12), dbSNP rs1596278327, ClinGen allele CA492957137.